The following is an entry in ClinVar:

ClinVar aggregate classification (germline): Conflicting classifications of pathogenicity. Review status: criteria provided, conflicting classifications (1 of 4 stars). 3 submissions from 3 submitters: Uncertain significance (2); Likely benign (1). Last evaluated 2024-02-12.

Conditions:
Cardiovascular phenotype. Identifiers: MedGen CN230736.
Catecholaminergic polymorphic ventricular tachycardia (CVPT). Also called: Catecholamine-induced polymorphic ventricular tachycardia. Identifiers: Orphanet 3286, MedGen C5574922, MONDO:0017990.
Catecholaminergic polymorphic ventricular tachycardia 1. Also called: VENTRICULAR TACHYCARDIA, CATECHOLAMINERGIC POLYMORPHIC, 1, WITH OR WITHOUT ATRIAL DYSFUNCTION AND/OR DILATED CARDIOMYOPATHY; RYR2-Related Catecholaminergic Polymorphic Ventricular Tachycardia; VENTRICULAR TACHYCARDIA, STRESS-INDUCED POLYMORPHIC 1. Identifiers: Orphanet 3286, MedGen C1631597, MONDO:0011484, OMIM 604772.

gnomAD v4.1: 9 of 1,611,334 alleles (0.00056%); highest among the groups gnomAD compares: African/African-American, 0.0013%; no homozygotes.

Submissions (3):

Labcorp Genetics (formerly Invitae), Labcorp
Classification: Likely benign for Catecholaminergic polymorphic ventricular tachycardia 1. Last evaluated: 2024-02-12. Review status: criteria provided, single submitter. Criteria: Invitae Variant Classification Sherloc (09022015). Collection method: clinical testing. Allele origin: germline.

All of Us Research Program, National Institutes of Health
Classification: Uncertain significance for Catecholaminergic polymorphic ventricular tachycardia. Last evaluated: 2023-04-03. Review status: criteria provided, single submitter. Criteria: ACMG Guidelines, 2015. Collection method: clinical testing. Allele origin: germline. Inheritance: Autosomal dominant inheritance. Observed: 1 variant allele, 1 heterozygote.
Comment: This missense variant replaces proline with leucine at codon 1578 of the RYR2 protein. Computational prediction suggests that this variant may not impact protein structure and function (internally defined REVEL score threshold <= 0.5, PMID: 27666373). To our knowledge, functional studies have not been reported for this variant. This variant has not been reported in individuals affected with RYR2-related disorders in the literature. This variant has been identified in 2/31402 chromosomes in the general population by the Genome Aggregation Database (gnomAD). The available evidence is insufficient to determine the role of this variant in disease conclusively. Therefore, this variant is classified as a Variant of Uncertain Significance.

This study involves interpretation of variants in research participants for the purpose of population health screening. Participant phenotype was not available at the time of variant classification. Additional details can be found in publication PMID: 35346344, PMCID: PMC8962531

Ambry Genetics
Classification: Uncertain significance for Cardiovascular phenotype. Last evaluated: 2022-12-09. Review status: criteria provided, single submitter. Criteria: Ambry Variant Classification Scheme 2023. Collection method: clinical testing. Allele origin: germline.
Comment: The p.P1578L variant (also known as c.4733C>T), located in coding exon 36 of the RYR2 gene, results from a C to T substitution at nucleotide position 4733. The proline at codon 1578 is replaced by leucine, an amino acid with similar properties. This amino acid position is well conserved in available vertebrate species. In addition, the in silico prediction for this alteration is inconclusive. Since supporting evidence is limited at this time, the clinical significance of this alteration remains unclear.

NM_001035.3(RYR2):c.4733C>T (p.Pro1578Leu)

Gene: RYR2 (ryanodine receptor 2; plus strand). Cytogenetic location: 1q43.
Variant type: single nucleotide variant.
Coding change: c.4733C>T on transcript NM_001035.3 (MANE Select); coding-DNA position 4733, C replaced by T.
Protein change: p.Pro1578Leu; replaces proline 1578 with leucine.
Molecular consequence: missense variant.
Genome position (GRCh38, 1-based): chr1:237,610,811, C>T. VCF-style: chr1-237610811-C-T. GRCh37 (hg19) VCF-style: chr1-237774111-C-T.
Other names: c.4733C>T (NM_001035.2); short protein forms P1578L.
Identifiers: ClinVar variation 2196120 (VCV002196120.7), dbSNP rs765351308, ClinGen allele CA345402323.